The following is an entry in ClinVar:

NM_000260.4(MYO7A):c.6298T>G (p.Phe2100Val)

Gene: MYO7A (myosin VIIA; plus strand). Cytogenetic location: 11q13.5.
Variant type: single nucleotide variant.
Coding change: c.6298T>G on transcript NM_000260.4 (MANE Select); coding-DNA position 6298, T replaced by G.
Protein change: p.Phe2100Val; replaces phenylalanine 2100 with valine.
Molecular consequence: missense variant.
Genome position (GRCh38, 1-based): chr11:77,211,881, T>G. VCF-style: chr11-77211881-T-G. GRCh37 (hg19) VCF-style: chr11-76922926-T-G.
Other names: c.6298T>G (NM_000260.3); c.6184T>G, p.Phe2062Val (NM_001127180.2); c.6151T>G, p.Phe2051Val (NM_001369365.1); short protein forms F2100V, F2051V, F2062V.
Identifiers: ClinVar variation 1424763 (VCV001424763.7), dbSNP rs1004748261, ClinGen allele CA224828470.
Genomic context (GRCh38, chr11:77,211,881, plus strand): 5'-TCCATCGTCGCCTACTTCAACAAGCACGCAGGGAAGTCCAAGGAGGAGGCCAAGCTGGCC[T>G]TCCTGAAGCTCATCTTCAAGTGGCCCACCTTTGGCTCAGCCTTCTTCGAGGTGAAGGTAC-3'
Protein context (NP_000251.3, residues 2090-2110): GKSKEEAKLA[Phe2100Val]LKLIFKWPTF

ClinVar aggregate classification (germline): Uncertain significance. Review status: criteria provided, multiple submitters, no conflicts (2 of 4 stars). 3 submissions from 3 submitters: Uncertain significance (3). Last evaluated 2026-06-29.

Conditions:
MYO7A-related disorder. Also called: MYO7A-related disorders.
Inborn genetic diseases. Identifiers: MedGen C0950123, MeSH D030342.

Allele frequency attached by ClinVar (database versions not stated): gnomAD exomes below 0.00001.
gnomAD v4.1: 10 of 1,613,976 alleles (0.00062%); highest among the groups gnomAD compares: Non-Finnish European, 0.00042%; no homozygotes.

Submissions (3):

PreventionGenetics, part of Exact Sciences
Classification: Uncertain significance for MYO7A-related condition. Last evaluated: 2026-06-29. Review status: criteria provided, single submitter. Criteria: ACMG Guidelines, 2015. Collection method: clinical testing. Allele origin: germline.
Comment: The MYO7A c.6298T>G variant is predicted to result in the amino acid substitution p.Phe2100Val. To our knowledge, this variant has not been reported in the literature or in a large population database (gnomAD), indicating this variant is rare. At this time, the clinical significance of this variant is uncertain due to the absence of conclusive functional and genetic evidence.

Ambry Genetics
Classification: Uncertain significance for Inborn genetic diseases. Last evaluated: 2023-12-14. Review status: criteria provided, single submitter. Criteria: Ambry Variant Classification Scheme 2023. Collection method: clinical testing. Allele origin: germline.

Labcorp Genetics (formerly Invitae), Labcorp
Classification: Uncertain significance. Last evaluated: 2022-10-04. Review status: criteria provided, single submitter. Criteria: Invitae Variant Classification Sherloc (09022015). Collection method: clinical testing. Allele origin: germline.
Comment: This sequence change replaces phenylalanine, which is neutral and non-polar, with valine, which is neutral and non-polar, at codon 2100 of the MYO7A protein (p.Phe2100Val). This variant is not present in population databases (gnomAD no frequency). This variant has not been reported in the literature in individuals affected with MYO7A-related conditions. ClinVar contains an entry for this variant (Variation ID: 1424763). Advanced modeling of protein sequence and biophysical properties (such as structural, functional, and spatial information, amino acid conservation, physicochemical variation, residue mobility, and thermodynamic stability) performed at Invitae indicates that this missense variant is expected to disrupt MYO7A protein function. In summary, the available evidence is currently insufficient to determine the role of this variant in disease. Therefore, it has been classified as a Variant of Uncertain Significance.